The following is an entry in ClinVar:

NM_002184.4(IL6ST):c.695A>G (p.Asn232Ser)

Gene: IL6ST (interleukin 6 cytokine family signal transducer; minus strand). Cytogenetic location: 5q11.2.
Variant type: single nucleotide variant.
Coding change: c.695A>G on transcript NM_002184.4 (MANE Select); coding-DNA position 695, A replaced by G.
Protein change: p.Asn232Ser; replaces asparagine 232 with serine.
Molecular consequence: missense variant. On other transcripts: 5 prime UTR variant (3), non-coding transcript variant (2).
Genome position (GRCh38, 1-based): chr5:55,963,470, T>C on the plus strand (A>G on the coding strand, the complement: IL6ST is on the minus strand). VCF-style: chr5-55963470-T-C. GRCh37 (hg19) VCF-style: chr5-55259298-T-C.
Other names: c.695A>G, p.Asn232Ser (NM_001190981.2, NM_001364275.2, NM_175767.3); c.485A>G, p.Asn162Ser (NM_001364276.2); c.-219A>G (NM_001364277.2, NM_001364279.2); c.-209A>G (NM_001364278.2); short protein forms N232S, N162S.
Identifiers: ClinVar variation 2705584 (VCV002705584.3), dbSNP rs1200184382, ClinGen allele CA359766514.

ClinVar aggregate classification (germline): Uncertain significance (1 of 4 stars; one submission).

Allele frequency attached by ClinVar (database versions not stated): gnomAD exomes 0.00002.
gnomAD v4.1: 28 of 1,610,022 alleles (0.0017%); highest among the groups gnomAD compares: Non-Finnish European, 0.0023%; no homozygotes.

Submission:

Labcorp Genetics (formerly Invitae), Labcorp
Classification: Uncertain significance. Last evaluated: 2024-02-19. Review status: criteria provided, single submitter. Criteria: Invitae Variant Classification Sherloc (09022015). Collection method: clinical testing. Allele origin: germline.
Comment: This sequence change replaces asparagine, which is neutral and polar, with serine, which is neutral and polar, at codon 232 of the IL6ST protein (p.Asn232Ser). This variant is present in population databases (no rsID available, gnomAD 0.002%). This variant has not been reported in the literature in individuals affected with IL6ST-related conditions. Algorithms developed to predict the effect of missense changes on protein structure and function output the following: SIFT: "Not Available"; PolyPhen-2: "Benign"; Align-GVGD: "Not Available". The serine amino acid residue is found in multiple mammalian species, which suggests that this missense change does not adversely affect protein function. In summary, the available evidence is currently insufficient to determine the role of this variant in disease. Therefore, it has been classified as a Variant of Uncertain Significance.